The following is an entry in ClinVar:

ClinVar aggregate classification (germline): Uncertain significance (1 of 4 stars; one submission).

Conditions:
Retinitis pigmentosa 12 (RP12). Also called: RP WITH OR WITHOUT PPRPE; RP WITH OR WITHOUT PRESERVED PARAARTERIOLE RETINAL PIGMENT EPITHELIUM; RETINITIS PIGMENTOSA WITH OR WITHOUT PARAARTERIOLAR PRESERVATION OF RETINAL PIGMENT EPITHELIUM. Identifiers: Orphanet 791, MedGen C1838647, MONDO:0010818, OMIM 600105.
Leber congenital amaurosis 8 (LCA8). Identifiers: Orphanet 65, MedGen C3151202, MONDO:0013453, OMIM 613835.

Allele frequency attached by ClinVar (database versions not stated): gnomAD exomes below 0.00001.
gnomAD v4.1: 1 of 1,614,178 alleles (0.000062%); highest among the groups gnomAD compares: Non-Finnish European, 0.000085%; no homozygotes.

Submission:

Labcorp Genetics (formerly Invitae), Labcorp
Classification: Uncertain significance for Leber congenital amaurosis 8; Retinitis pigmentosa 12. Last evaluated: 2022-01-13. Review status: criteria provided, single submitter. Criteria: Invitae Variant Classification Sherloc (09022015). Collection method: clinical testing. Allele origin: germline.
Comment: This variant is not present in population databases (gnomAD no frequency). This sequence change replaces valine, which is neutral and non-polar, with methionine, which is neutral and non-polar, at codon 618 of the CRB1 protein (p.Val618Met). This variant has not been reported in the literature in individuals affected with CRB1-related conditions. Advanced modeling of protein sequence and biophysical properties (such as structural, functional, and spatial information, amino acid conservation, physicochemical variation, residue mobility, and thermodynamic stability) performed at Invitae indicates that this missense variant is not expected to disrupt CRB1 protein function. In summary, the available evidence is currently insufficient to determine the role of this variant in disease. Therefore, it has been classified as a Variant of Uncertain Significance.

NM_201253.3(CRB1):c.1852G>A (p.Val618Met)

Gene: CRB1 (crumbs cell polarity complex component 1; plus strand). Cytogenetic location: 1q31.3.
Variant type: single nucleotide variant.
Coding change: c.1852G>A on transcript NM_201253.3 (MANE Select); coding-DNA position 1852, G replaced by A.
Protein change: p.Val618Met; replaces valine 618 with methionine.
Molecular consequence: missense variant. On other transcripts: non-coding transcript variant (1).
Genome position (GRCh38, 1-based): chr1:197,421,680, G>A. VCF-style: chr1-197421680-G-A. GRCh37 (hg19) VCF-style: chr1-197390810-G-A.
Other names: c.1516G>A, p.Val506Met (NM_001193640.2); c.1645G>A, p.Val549Met (NM_001257965.2); c.1852G>A, p.Val618Met (NM_001257966.2); short protein forms V549M, V506M, V618M.
Identifiers: ClinVar variation 1498894 (VCV001498894.8), dbSNP rs1169856523, ClinGen allele CA344032755.